The following is an entry in ClinVar:

ClinVar aggregate classification (germline): Uncertain significance (1 of 4 stars; one submission).

Conditions:
Dilated cardiomyopathy 1W (CMD1W). Identifiers: Orphanet 154, MedGen C1969639, MONDO:0012667, OMIM 611407.

Submission:

Labcorp Genetics (formerly Invitae), Labcorp
Classification: Uncertain significance for Dilated cardiomyopathy 1W. Last evaluated: 2024-12-17. Review status: criteria provided, single submitter. Criteria: Invitae Variant Classification Sherloc (09022015). Collection method: clinical testing. Allele origin: germline.
Comment: This sequence change falls in intron 15 of the VCL gene. It does not directly change the encoded amino acid sequence of the VCL protein. This variant is not present in population databases (gnomAD no frequency). This variant has not been reported in the literature in individuals affected with VCL-related conditions. Experimental studies and prediction algorithms are not available or were not evaluated, and the effect of this variant on mRNA splicing is currently unknown. In summary, the available evidence is currently insufficient to determine the role of this variant in disease. Therefore, it has been classified as a Variant of Uncertain Significance.

NM_014000.3(VCL):c.2131+63_2131+64insTGGGACTGGTTCTGTTTTCTATACAAATCTTGTTGTCTAATCCATGAAGAATGAGTTCTGAGAAATTGGAG

Gene: VCL (vinculin; plus strand). Cytogenetic location: 10q22.2.
Variant type: Insertion.
Coding change: c.2131+63_2131+64insTGGGACTGGTTCTGTTTTCTATACAAATCTTGTTGTCTAATCCATGAAGAATGAGTTCTGAGAAATTGGAG on transcript NM_014000.3 (MANE Select); bases 63 to 64 of the intron after coding-DNA position 2131, TGGGACTGGTTCTGTTTTCTATACAAATCTTGTTGTCTAATCCATGAAGAATGAGTTCTGAGAAATTGGAG inserted.
Molecular consequence: intron variant.
Genome position: GRCh38: chr10:74,103,991-74,103,992. GRCh37 (hg19): chr10:75,863,749-75,863,750.
Other names: c.2131+63_2131+64insTGGGACTGGTTCTGTTTTCTATACAAATCTTGTTGTCTAATCCATGAAGAATGAGTTCTGAGAAATTGGAG (NM_003373.4).
Identifiers: ClinVar variation 3712279 (VCV003712279.1).